The following is an entry in ClinVar:

ClinVar aggregate classification (germline): Uncertain significance. Review status: criteria provided, multiple submitters, no conflicts (2 of 4 stars). 2 submissions from 2 submitters: Uncertain significance (2). Last evaluated 2025-07-23.

Conditions:
Hereditary cancer-predisposing syndrome. Also called: Tumor predisposition; Neoplastic Syndromes, Hereditary; Hereditary Cancer Syndrome; Hereditary neoplastic syndrome. Identifiers: Orphanet 140162, MedGen C0027672, MeSH D009386, MONDO:0015356.
Hereditary nonpolyposis colorectal neoplasms. Identifiers: MedGen C0009405, MeSH D003123.

Submissions (2):

Labcorp Genetics (formerly Invitae), Labcorp
Classification: Uncertain significance for Hereditary nonpolyposis colorectal neoplasms. Last evaluated: 2025-07-23. Review status: criteria provided, single submitter. Criteria: Invitae Variant Classification Sherloc (09022015). Collection method: clinical testing. Allele origin: germline.
Comment: This sequence change replaces leucine, which is neutral and non-polar, with proline, which is neutral and non-polar, at codon 1061 of the MSH6 protein (p.Leu1061Pro). This variant is not present in population databases (gnomAD no frequency). This missense change has been observed in individual(s) with sebaceous carcinoma (PMID: 25006859). ClinVar contains an entry for this variant (Variation ID: 1728559). Invitae Evidence Modeling of protein sequence and biophysical properties (such as structural, functional, and spatial information, amino acid conservation, physicochemical variation, residue mobility, and thermodynamic stability) has been performed for this missense variant. However, the output from this modeling did not meet the statistical confidence thresholds required to predict the impact of this variant on MSH6 protein function. In summary, the available evidence is currently insufficient to determine the role of this variant in disease. Therefore, it has been classified as a Variant of Uncertain Significance.

Ambry Genetics
Classification: Uncertain significance for Hereditary cancer-predisposing syndrome. Last evaluated: 2023-05-17. Review status: criteria provided, single submitter. Criteria: Ambry Variant Classification Scheme 2023. Collection method: clinical testing. Allele origin: germline.
Comment: The p.L1061P variant (also known as c.3182T>C), located in coding exon 5 of the MSH6 gene, results from a T to C substitution at nucleotide position 3182. The leucine at codon 1061 is replaced by proline, an amino acid with similar properties. This amino acid position is not well conserved in available vertebrate species. In addition, this alteration is predicted to be deleterious by in silico analysis. Since supporting evidence is limited at this time, the clinical significance of this alteration remains unclear.

Literature cited by the submitters: PubMed 25006859 (cited by Labcorp Genetics (formerly Invitae), Labcorp and Ambry Genetics).

NM_000179.3(MSH6):c.3182T>C (p.Leu1061Pro)

Gene: MSH6 (mutS homolog 6; plus strand). Cytogenetic location: 2p16.3.
Variant type: single nucleotide variant.
Coding change: c.3182T>C on transcript NM_000179.3 (MANE Select); coding-DNA position 3182, T replaced by C.
Protein change: p.Leu1061Pro; replaces leucine 1061 with proline.
Molecular consequence: missense variant.
Genome position (GRCh38, 1-based): chr2:47,803,429, T>C. VCF-style: chr2-47803429-T-C. GRCh37 (hg19) VCF-style: chr2-48030568-T-C.
Other names: c.2792T>C, p.Leu931Pro (NM_001281492.2); c.2276T>C, p.Leu759Pro (NM_001281493.2, NM_001281494.2, NM_001406811.1 and 6 more transcripts); c.3278T>C, p.Leu1093Pro (NM_001406795.1, NM_001406802.1); c.3182T>C, p.Leu1061Pro (NM_001406796.1, NM_001406800.1, NM_001406808.1 and 1 more transcripts); c.2885T>C, p.Leu962Pro (NM_001406797.1, NM_001406801.1, NM_001406805.1 and 10 more transcripts); c.2657T>C, p.Leu886Pro (NM_001406799.1, NM_001406806.1, NM_001406807.1); c.2318T>C, p.Leu773Pro (NM_001406803.1); c.3104T>C, p.Leu1035Pro (NM_001406804.1); and 6 more; short protein forms L1061P, L376P, L773P, L1035P, L1093P, L759P, L931P, L1005P.
Identifiers: ClinVar variation 1728559 (VCV001728559.6), dbSNP rs1669730426, ClinGen allele CA346757831.